The following is an entry in ClinVar:

ClinVar aggregate classification (germline): Uncertain significance. Review status: criteria provided, multiple submitters, no conflicts (2 of 4 stars). 2 submissions from 2 submitters: Uncertain significance (2). Last evaluated 2025-01-14.

Conditions:
Hereditary cancer-predisposing syndrome. Also called: Hereditary Cancer Syndrome; Neoplastic Syndromes, Hereditary; Hereditary neoplastic syndrome; Tumor predisposition. Identifiers: Orphanet 140162, MedGen C0027672, MeSH D009386, MONDO:0015356.

gnomAD v4.1: 1 of 1,613,470 alleles (0.000062%); highest among the groups gnomAD compares: Non-Finnish European, 0.000085%; no homozygotes.

Submissions (2):

Ambry Genetics
Classification: Uncertain significance for Hereditary cancer-predisposing syndrome. Last evaluated: 2025-01-14. Review status: criteria provided, single submitter. Criteria: Ambry Variant Classification Scheme 2023. Collection method: clinical testing. Allele origin: germline.
Comment: The p.Q1430P variant (also known as c.4289A>C), located in coding exon 33 of the POLE gene, results from an A to C substitution at nucleotide position 4289. The glutamine at codon 1430 is replaced by proline, an amino acid with similar properties. This amino acid position is highly conserved in available vertebrate species. In addition, the in silico prediction for this alteration is inconclusive. Based on the available evidence, the clinical significance of this variant remains unclear.

Labcorp Genetics (formerly Invitae), Labcorp
Classification: Uncertain significance. Last evaluated: 2024-05-14. Review status: criteria provided, single submitter. Criteria: Invitae Variant Classification Sherloc (09022015). Collection method: clinical testing. Allele origin: germline.
Comment: This sequence change replaces glutamine, which is neutral and polar, with proline, which is neutral and non-polar, at codon 1430 of the POLE protein (p.Gln1430Pro). This variant is not present in population databases (gnomAD no frequency). This variant has not been reported in the literature in individuals affected with POLE-related conditions. An algorithm developed to predict the effect of missense changes on protein structure and function (PolyPhen-2) suggests that this variant is likely to be disruptive. Algorithms developed to predict the effect of sequence changes on RNA splicing suggest that this variant may disrupt the consensus splice site. In summary, the available evidence is currently insufficient to determine the role of this variant in disease. Therefore, it has been classified as a Variant of Uncertain Significance.

NM_006231.4(POLE):c.4289A>C (p.Gln1430Pro)

Gene: POLE (DNA polymerase epsilon, catalytic subunit; minus strand). Cytogenetic location: 12q24.33.
Variant type: single nucleotide variant.
Coding change: c.4289A>C on transcript NM_006231.4 (MANE Select); coding-DNA position 4289, A replaced by C.
Protein change: p.Gln1430Pro; replaces glutamine 1430 with proline.
Molecular consequence: missense variant.
Genome position (GRCh38, 1-based): chr12:132,643,838, T>G on the plus strand (A>C on the coding strand, the complement: POLE is on the minus strand). VCF-style: chr12-132643838-T-G. GRCh37 (hg19) VCF-style: chr12-133220424-T-G.
Other names: c.4289A>C (NM_006231.2); short protein forms Q1430P.
Identifiers: ClinVar variation 3652599 (VCV003652599.3).